The following is an entry in ClinVar:

ClinVar aggregate classification (germline): Uncertain significance (1 of 4 stars; one submission).

Conditions:
Dilated cardiomyopathy 1G (CMD1G). Identifiers: Orphanet 154, MedGen C1858763, MONDO:0011400, OMIM 604145.
Autosomal recessive limb-girdle muscular dystrophy type 2J (LGMDR10). Also called: Limb-girdle muscular dystrophy, type 2J; MUSCULAR DYSTROPHY, LIMB-GIRDLE, AUTOSOMAL RECESSIVE 10. Identifiers: Orphanet 140922, MedGen C1837342, MONDO:0012127, OMIM 608807.

Submission:

Labcorp Genetics (formerly Invitae), Labcorp
Classification: Uncertain significance for Dilated cardiomyopathy 1G; Autosomal recessive limb-girdle muscular dystrophy type 2J. Last evaluated: 2025-01-29. Review status: criteria provided, single submitter. Criteria: Invitae Variant Classification Sherloc (09022015). Collection method: clinical testing. Allele origin: germline.
Comment: This sequence change falls in intron 278 of the TTN gene. It does not directly change the encoded amino acid sequence of the TTN protein. It affects a nucleotide within the consensus splice site. This variant is not present in population databases (gnomAD no frequency). This variant has not been reported in the literature in individuals affected with TTN-related conditions. Variants that disrupt the consensus splice site are a relatively common cause of aberrant splicing (PMID: 17576681, 9536098). Algorithms developed to predict the effect of sequence changes on RNA splicing suggest that this variant may disrupt the consensus splice site. This variant is located in the A band of TTN (PMID: 25589632). Variants in this region may be relevant for cardiac or neuromuscular disorders (PMID: 25589632, 23975875). In summary, the available evidence is currently insufficient to determine the role of this variant in disease. Therefore, it has been classified as a Variant of Uncertain Significance.

Literature cited by the submitters: PubMed 17576681; PubMed 9536098; PubMed 25589632; PubMed 23975875.

NM_001267550.2(TTN):c.53581+3A>G

Genes: TTN (titin; minus strand), TTN-AS1 (TTN antisense RNA 1; plus strand). Cytogenetic location: 2q31.2.
Variant type: single nucleotide variant.
Coding change: c.53581+3A>G on transcript NM_001267550.2 (MANE Select); 3 bases into the intron after coding-DNA position 53581, A replaced by G.
Molecular consequence: intron variant.
Genome position (GRCh38, 1-based): chr2:178,607,018, T>C on the plus strand (A>G on the coding strand, the complement: TTN is on the minus strand). VCF-style: chr2-178607018-T-C. GRCh37 (hg19) VCF-style: chr2-179471745-T-C.
Other names: c.26386+3A>G (NM_003319.4); c.26962+3A>G (NM_133437.4); c.26761+3A>G (NM_133432.3); c.45877+3A>G (NM_133378.4); c.48658+3A>G (NM_001256850.1).
Identifiers: ClinVar variation 4784015 (VCV004784015.1).